The following is an entry in ClinVar:

NM_000535.7(PMS2):c.834T>A (p.His278Gln)

Gene: PMS2 (PMS1 homolog 2, mismatch repair system component; minus strand). Cytogenetic location: 7p22.1.
Variant type: single nucleotide variant.
Coding change: c.834T>A on transcript NM_000535.7 (MANE Select); coding-DNA position 834, T replaced by A.
Protein change: p.His278Gln; replaces histidine 278 with glutamine.
Molecular consequence: missense variant. On other transcripts: 5 prime UTR variant (2), non-coding transcript variant (1).
Genome position (GRCh38, 1-based): chr7:5,995,603, A>T on the plus strand (T>A on the coding strand, the complement: PMS2 is on the minus strand). VCF-style: chr7-5995603-A-T. GRCh37 (hg19) VCF-style: chr7-6035234-A-T.
Other names: c.429T>A, p.His143Gln (NM_001322003.2, NM_001322004.2, NM_001322005.2 and 2 more transcripts); c.834T>A, p.His278Gln (NM_001322006.2, NM_001322014.2); c.516T>A, p.His172Gln (NM_001322007.2, NM_001322008.2); c.-100T>A (NM_001322011.2, NM_001322012.2); c.261T>A, p.His87Gln (NM_001322013.2); c.525T>A, p.His175Gln (NM_001322015.2); short protein forms H143Q, H172Q, H175Q, H278Q, H87Q.
Identifiers: ClinVar variation 1683512 (VCV001683512.5), dbSNP rs2128776000, ClinGen allele CA366743524.

ClinVar aggregate classification (germline): Uncertain significance. Review status: criteria provided, multiple submitters, no conflicts (2 of 4 stars). 2 submissions from 2 submitters: Uncertain significance (2). Last evaluated 2023-06-17.

Conditions:
Hereditary nonpolyposis colorectal neoplasms. Identifiers: MedGen C0009405, MeSH D003123.
Breast carcinoma. Also called: Carcinoma of breast. Identifiers: MedGen C0678222, MONDO:0004989, HP:0003002.

Submissions (2):

Labcorp Genetics (formerly Invitae), Labcorp
Classification: Uncertain significance for Hereditary nonpolyposis colorectal neoplasms. Last evaluated: 2023-06-17. Review status: criteria provided, single submitter. Criteria: Invitae Variant Classification Sherloc (09022015). Collection method: clinical testing. Allele origin: germline.
Comment: ClinVar contains an entry for this variant (Variation ID: 1683512). This variant has not been reported in the literature in individuals affected with PMS2-related conditions. This variant is not present in population databases (gnomAD no frequency). This sequence change replaces histidine, which is basic and polar, with glutamine, which is neutral and polar, at codon 278 of the PMS2 protein (p.His278Gln). Advanced modeling of protein sequence and biophysical properties (such as structural, functional, and spatial information, amino acid conservation, physicochemical variation, residue mobility, and thermodynamic stability) performed at Invitae indicates that this missense variant is expected to disrupt PMS2 protein function. In summary, the available evidence is currently insufficient to determine the role of this variant in disease. Therefore, it has been classified as a Variant of Uncertain Significance.

Laboratorio de Genetica e Diagnostico Molecular, Hospital Israelita Albert Einstein
Classification: Uncertain significance for Breast carcinoma. Last evaluated: 2021-07-06. Review status: criteria provided, single submitter. Criteria: ACMG Guidelines, 2015. Collection method: clinical testing. Allele origin: germline. Affected: yes.
Comment: ACMG classification criteria: PM2 moderate